The following is an entry in ClinVar:

NM_014319.5(LEMD3):c.1367A>G (p.Gln456Arg)

Gene: LEMD3 (LEM domain containing 3; plus strand). Cytogenetic location: 12q14.3.
Variant type: single nucleotide variant.
Coding change: c.1367A>G on transcript NM_014319.5 (MANE Select); coding-DNA position 1367, A replaced by G.
Protein change: p.Gln456Arg; replaces glutamine 456 with arginine.
Molecular consequence: missense variant.
Genome position (GRCh38, 1-based): chr12:65,170,963, A>G. VCF-style: chr12-65170963-A-G. GRCh37 (hg19) VCF-style: chr12-65564743-A-G.
Other names: c.1367A>G, p.Gln456Arg (NM_001167614.2); short protein forms Q456R.
Identifiers: ClinVar variation 4681087 (VCV004681087.1).
Genomic context (GRCh38, chr12:65,170,963, plus strand): 5'-ACCTGAAAAACACATACAACAAACCGAAGCTTTCCGAACCCGAAGAGGAACTTCTCCAGC[A>G]ATTTAAACGGGAGGAGGTGTCCCCAACAGGGAGTTTCAGTGCCCACTACTTGTCGATGTT-3'
Protein context (NP_055134.2, residues 446-466): LSEPEEELLQ[Gln456Arg]FKREEVSPTG

ClinVar aggregate classification (germline): Uncertain significance (1 of 4 stars; one submission).

Submission:

GeneDx
Classification: Uncertain significance. Last evaluated: 2025-06-30. Review status: criteria provided, single submitter. Criteria: GeneDx Variant Classification Process June 2021. Collection method: clinical testing. Allele origin: germline. Affected: yes.
Comment: Not observed at significant frequency in large population cohorts (gnomAD); In silico analysis suggests that this missense variant does not alter protein structure/function; Has not been previously published as pathogenic or benign to our knowledge